The following is an entry in ClinVar:

NM_003200.5(TCF3):c.1050G>T (p.Ser350=)

Gene: TCF3 (transcription factor 3; minus strand). Cytogenetic location: 19p13.3.
Variant type: single nucleotide variant.
Coding change: c.1050G>T on transcript NM_003200.5 (MANE Select); coding-DNA position 1050, G replaced by T.
Protein change: p.Ser350=; no amino-acid change (serine 350 retained).
Molecular consequence: synonymous variant.
Genome position (GRCh38, 1-based): chr19:1,621,011, C>A on the plus strand (G>T on the coding strand, the complement: TCF3 is on the minus strand). VCF-style: chr19-1621011-C-A. GRCh37 (hg19) VCF-style: chr19-1621010-C-A.
Other names: c.1050G>T, p.Ser350= (NM_001136139.4, NM_001351778.2, NM_001351779.2).
Identifiers: ClinVar variation 1924697 (VCV001924697.5), dbSNP rs367962588, ClinGen allele CA9050090.

ClinVar aggregate classification (germline): Uncertain significance (1 of 4 stars; one submission).

Allele frequency attached by ClinVar (database versions not stated): TOPMed below 0.00001; ESP Exome Variant Server 0.00008.
gnomAD v4.1: 15 of 1,520,202 alleles (0.00099%); highest among the groups gnomAD compares: East Asian, 0.027%; no homozygotes.

Submission:

Labcorp Genetics (formerly Invitae), Labcorp
Classification: Uncertain significance. Last evaluated: 2022-10-03. Review status: criteria provided, single submitter. Criteria: Invitae Variant Classification Sherloc (09022015). Collection method: clinical testing. Allele origin: germline.
Comment: Algorithms developed to predict the effect of sequence changes on RNA splicing suggest that this variant may create or strengthen a splice site. In summary, the available evidence is currently insufficient to determine the role of this variant in disease. Therefore, it has been classified as a Variant of Uncertain Significance. This variant has not been reported in the literature in individuals affected with TCF3-related conditions. The frequency data for this variant in the population databases is considered unreliable, as metrics indicate poor data quality at this position in the gnomAD database. This sequence change affects codon 350 of the TCF3 mRNA. It is a 'silent' change, meaning that it does not change the encoded amino acid sequence of the TCF3 protein.